The following is an entry in ClinVar:

ClinVar aggregate classification (germline): Uncertain significance. Review status: criteria provided, multiple submitters, no conflicts (2 of 4 stars). 2 submissions from 2 submitters: Uncertain significance (2). Last evaluated 2025-05-06.

Conditions:
Inborn genetic diseases. Identifiers: MedGen C0950123, MeSH D030342.

Allele frequency attached by ClinVar (database versions not stated): gnomAD 0.00002; TOPMed 0.00002.
gnomAD v4.1: 13 of 1,613,262 alleles (0.00081%); highest among the groups gnomAD compares: East Asian, 0.029%; no homozygotes.

Submissions (2):

Ambry Genetics
Classification: Uncertain significance for Inborn genetic diseases. Last evaluated: 2025-05-06. Review status: criteria provided, single submitter. Criteria: Ambry Variant Classification Scheme 2023. Collection method: clinical testing. Allele origin: germline.

GeneDx
Classification: Uncertain significance. Last evaluated: 2022-06-21. Review status: criteria provided, single submitter. Criteria: GeneDx Variant Classification Process June 2021. Collection method: clinical testing. Allele origin: germline. Affected: yes.
Comment: In silico analysis supports that this missense variant does not alter protein structure/function; Has not been previously published as pathogenic or benign to our knowledge

NM_001329943.3(KIAA0586):c.3772G>T (p.Ala1258Ser)

Gene: KIAA0586 (KIAA0586; plus strand). Cytogenetic location: 14q23.1.
Variant type: single nucleotide variant.
Coding change: c.3772G>T on transcript NM_001329943.3 (MANE Select); coding-DNA position 3772, G replaced by T.
Protein change: p.Ala1258Ser; replaces alanine 1258 with serine.
Molecular consequence: missense variant.
Genome position (GRCh38, 1-based): chr14:58,488,865, G>T. VCF-style: chr14-58488865-G-T. GRCh37 (hg19) VCF-style: chr14-58955583-G-T.
Other names: c.3931G>T, p.Ala1311Ser (NM_001244189.2); c.3727G>T, p.Ala1243Ser (NM_001244190.2); c.3517G>T, p.Ala1173Ser (NM_001244191.2, NM_001329945.2, NM_001364700.1 and 1 more transcripts); c.3640G>T, p.Ala1214Ser (NM_001244192.2); c.3352G>T, p.Ala1118Ser (NM_001244193.2); c.3772G>T, p.Ala1258Ser (NM_001329944.2, NM_001329946.2, NM_001329947.2); c.3544G>T, p.Ala1182Ser (NM_014749.5); c.3544G>T (NM_014749.3); short protein forms A1118S, A1173S, A1182S, A1214S, A1243S, A1258S, A1311S.
Identifiers: ClinVar variation 1810192 (VCV001810192.2), dbSNP rs1043777811, ClinGen allele CA261648385.